The following is an entry in ClinVar:

NM_000327.4(ROM1):c.152C>T (p.Thr51Ile)

Gene: ROM1 (retinal outer segment membrane protein 1; plus strand). Cytogenetic location: 11q12.3.
Variant type: single nucleotide variant.
Coding change: c.152C>T on transcript NM_000327.4 (MANE Select); coding-DNA position 152, C replaced by T.
Protein change: p.Thr51Ile; replaces threonine 51 with isoleucine.
Molecular consequence: missense variant.
Genome position (GRCh38, 1-based): chr11:62,613,433, C>T. VCF-style: chr11-62613433-C-T. GRCh37 (hg19) VCF-style: chr11-62380905-C-T.
Other names: short protein forms T51I.
Identifiers: ClinVar variation 1525966 (VCV001525966.8), dbSNP rs2134420695, ClinGen allele CA380968652.

ClinVar aggregate classification (germline): Uncertain significance (1 of 4 stars; one submission).

Submission:

Labcorp Genetics (formerly Invitae), Labcorp
Classification: Uncertain significance. Last evaluated: 2021-04-13. Review status: criteria provided, single submitter. Criteria: Invitae Variant Classification Sherloc (09022015). Collection method: clinical testing. Allele origin: germline.
Comment: This sequence change replaces threonine with isoleucine at codon 51 of the ROM1 protein (p.Thr51Ile). The threonine residue is moderately conserved and there is a moderate physicochemical difference between threonine and isoleucine. Algorithms developed to predict the effect of missense changes on protein structure and function are either unavailable or do not agree on the potential impact of this missense change (SIFT: "Tolerated"; PolyPhen-2: "Possibly Damaging"; Align-GVGD: "Class C0"). In summary, the available evidence is currently insufficient to determine the role of this variant in disease. Therefore, it has been classified as a Variant of Uncertain Significance. This variant is not present in population databases (ExAC no frequency). This variant has not been reported in the literature in individuals with ROM1-related conditions.